The following is an entry in ClinVar:

ClinVar aggregate classification (germline): Uncertain significance (1 of 4 stars; one submission).

Conditions:
CSMD1-related disorder. Also called: CSMD1-related condition.

gnomAD v4.1: 1 of 1,613,626 alleles (0.000062%); highest among the groups gnomAD compares: Non-Finnish European, 0.000085%; no homozygotes.

Submission:

PreventionGenetics, part of Exact Sciences
Classification: Uncertain significance for CSMD1-related condition. Last evaluated: 2026-09-07. Review status: criteria provided, single submitter. Criteria: ACMG Guidelines, 2015. Collection method: clinical testing. Allele origin: germline.
Comment: The CSMD1 c.7442A>G variant is predicted to result in the amino acid substitution p.Tyr2481Cys. To our knowledge, this variant has not been reported in the literature or in a large population database (gnomAD), indicating this variant is rare. At this time, the clinical significance of this variant is uncertain due to the absence of conclusive functional and genetic evidence.

NM_033225.6(CSMD1):c.7442A>G (p.Tyr2481Cys)

Gene: CSMD1 (CUB and Sushi multiple domains 1; minus strand). Cytogenetic location: 8p23.2.
Variant type: single nucleotide variant.
Coding change: c.7442A>G on transcript NM_033225.6 (MANE Select); coding-DNA position 7442, A replaced by G.
Protein change: p.Tyr2481Cys; replaces tyrosine 2481 with cysteine.
Molecular consequence: missense variant.
Genome position (GRCh38, 1-based): chr8:3,087,129, T>C on the plus strand (A>G on the coding strand, the complement: CSMD1 is on the minus strand). VCF-style: chr8-3087129-T-C. GRCh37 (hg19) VCF-style: chr8-2944651-T-C.
Other names: short protein forms Y2481C.
Identifiers: ClinVar variation 4994947 (VCV004994947.1).